The following is an entry in ClinVar:

ClinVar aggregate classification (germline): Pathogenic (1 of 4 stars; one submission).

Submission:

GeneDx
Classification: Pathogenic. Last evaluated: 2014-08-28. Review status: criteria provided, single submitter. Criteria: GeneDx Variant Classification (06012015). Collection method: clinical testing. Allele origin: germline. Affected: yes.
Comment: c.1537dupG: p.Glu513GlyfsX5 (E513GfsX5) in exon 10 of the SCN1A gene (NM_001165963.1). The normal sequence with the base that is duplicated in braces is: TGGG{G}AAGA.The c.1537dupG mutation in the SCN1A gene causes a frameshift starting with codon Glutamic acid 513, changes this amino acid to a Glycine residue and creates a premature Stop codon at position 5 of the new reading frame, denoted p.Glu513GlyfsX5. This mutation is predicted to cause loss of normal protein function either through protein truncation or nonsense-mediated mRNA decay. Although this mutation has not been previously reported to our knowledge, its presence is consistent with a diagnosis of an SCN1A-related disorder. The variant is found in EPILEPSY,INFANT-EPI panel(s).

NM_001165963.4(SCN1A):c.1537dup (p.Glu513fs)

Gene: SCN1A (sodium voltage-gated channel alpha subunit 1; minus strand). Cytogenetic location: 2q24.3.
Variant type: Duplication.
Coding change: c.1537dup on transcript NM_001165963.4 (MANE Select); coding-DNA position 1537, one base duplicated (G; older notation c.1537dupG).
Protein change: p.Glu513fs; shifts the reading frame from glutamic acid 513.
Molecular consequence: frameshift variant. On other transcripts: 5 prime UTR variant (1), non-coding transcript variant (1).
Genome position (GRCh38, 1-based): chr2:166,045,168, C duplicated on the plus strand (G on the coding strand, the reverse complement: SCN1A is on the minus strand); the first of 4 consecutive C bases (chr2:166,045,168-166,045,171); duplicating any one gives the same sequence. VCF-style (leftmost placement, unchanged base first): chr2-166045167-T-TC. GRCh37 (hg19) VCF-style: chr2-166901677-T-TC.
Other names: c.1537dup, p.Glu513fs (NM_001165964.3, NM_001202435.3, NM_001353948.2 and 7 more transcripts); c.1534dup, p.Glu512fs (NM_001353954.2, NM_001353955.2, NM_001353960.2); c.-889dup (NM_001353961.2); short protein forms E513fs, E512fs.
Identifiers: ClinVar variation 206897 (VCV000206897.1), dbSNP rs796053059, ClinGen allele CA317703.
Genomic context (GRCh38, chr2:166,045,167, plus strand): 5'-CCTTTCCTCCTGATGCTGTCCTCAGATTCAGATTTTTGGAATTCATCCTCATCTTTCTCT[T>TC]CCCCACCAGACTGCTCTTTCTGTTTTCTTTTCTTCCTCCGATTTCTTCTTTCCTTAGCAC-3'